The following is an entry in ClinVar:

ClinVar aggregate classification (germline): Uncertain significance (1 of 4 stars; one submission).

Conditions:
Epileptic encephalopathy. Identifiers: MedGen C0543888, HP:0200134.

Submission:

Labcorp Genetics (formerly Invitae), Labcorp
Classification: Uncertain significance for Epileptic encephalopathy. Last evaluated: 2023-11-27. Review status: criteria provided, single submitter. Criteria: Invitae Variant Classification Sherloc (09022015). Collection method: clinical testing. Allele origin: germline.
Comment: This sequence change replaces proline, which is neutral and non-polar, with arginine, which is basic and polar, at codon 2229 of the FASN protein (p.Pro2229Arg). This variant is not present in population databases (gnomAD no frequency). This variant has not been reported in the literature in individuals affected with FASN-related conditions. ClinVar contains an entry for this variant (Variation ID: 1418276). An algorithm developed to predict the effect of missense changes on protein structure and function (PolyPhen-2) suggests that this variant is likely to be tolerated. In summary, the available evidence is currently insufficient to determine the role of this variant in disease. Therefore, it has been classified as a Variant of Uncertain Significance.

NM_004104.5(FASN):c.6686C>G (p.Pro2229Arg)

Gene: FASN (fatty acid synthase; minus strand). Cytogenetic location: 17q25.3.
Variant type: single nucleotide variant.
Coding change: c.6686C>G on transcript NM_004104.5 (MANE Select); coding-DNA position 6686, C replaced by G.
Protein change: p.Pro2229Arg; replaces proline 2229 with arginine.
Molecular consequence: missense variant.
Genome position (GRCh38, 1-based): chr17:82,080,832, G>C on the plus strand (C>G on the coding strand, the complement: FASN is on the minus strand). VCF-style: chr17-82080832-G-C. GRCh37 (hg19) VCF-style: chr17-80038708-G-C.
Other names: short protein forms P2229R.
Identifiers: ClinVar variation 1418276 (VCV001418276.6), dbSNP rs2144780114, ClinGen allele CA401598809.